The following is an entry in ClinVar:

NC_000019.10:g.35732215del

Gene: KMT2B (lysine methyltransferase 2B; plus strand). Cytogenetic location: 19q13.12.
Variant type: Deletion.
Genome position: GRCh38 VCF-style: chr19-35732213-AG-A. GRCh37 (hg19) VCF-style: chr19-36223114-AG-A.
Identifiers: ClinVar variation 2767632 (VCV002767632.3), dbSNP rs2513350024, ClinGen allele CA2697556449.
Genomic context (GRCh38, chr19:35,732,213, plus strand): 5'-GGGGGTTGGGGGTGGAGCCGCGGAGGTGGGAGCTGCTGGTAACACCAACCCTCCCCCCAC[AG>A]GAAGTCCATCTTCACTGACCCACCACATCCCCACAGTGGGAGACCCGGACTTCCCAGCTC-3'

ClinVar aggregate classification (germline): Pathogenic (1 of 4 stars; one submission).

Submission:

Labcorp Genetics (formerly Invitae), Labcorp
Classification: Pathogenic. Last evaluated: 2023-10-11. Review status: criteria provided, single submitter. Criteria: Invitae Variant Classification Sherloc (09022015). Collection method: clinical testing. Allele origin: germline.
Comment: This sequence change creates a premature translational stop signal (p.Gly1889Glufs*6) in the KMT2B gene. It is expected to result in an absent or disrupted protein product. Loss-of-function variants in KMT2B are known to be pathogenic (PMID: 27839873, 27992417). This variant is not present in population databases (gnomAD no frequency). This variant has not been reported in the literature in individuals affected with KMT2B-related conditions. Algorithms developed to predict the effect of sequence changes on RNA splicing suggest that this variant may disrupt the consensus splice site. For these reasons, this variant has been classified as Pathogenic.

Literature cited by the submitters: PubMed 27839873; PubMed 27992417.